The following is an entry in ClinVar:

ClinVar aggregate classification (germline): Uncertain significance. Review status: criteria provided, multiple submitters, no conflicts (2 of 4 stars). 2 submissions from 2 submitters: Uncertain significance (2). Last evaluated 2026-07-02.

Conditions:
ABCC2-related disorder. Also called: ABCC2-related condition.
Inborn genetic diseases. Identifiers: MedGen C0950123, MeSH D030342.

Submissions (2):

PreventionGenetics, part of Exact Sciences
Classification: Uncertain significance for ABCC2-related condition. Last evaluated: 2026-07-02. Review status: criteria provided, single submitter. Criteria: ACMG Guidelines, 2015. Collection method: clinical testing. Allele origin: germline.
Comment: The ABCC2 c.3455A>C variant is predicted to result in the amino acid substitution p.Asp1152Ala. To our knowledge, this variant has not been reported in the literature. This variant is reported in 0.0029% of alleles in individuals of Latino descent in gnomAD. At this time, the clinical significance of this variant is uncertain due to the absence of conclusive functional and genetic evidence.

Ambry Genetics
Classification: Uncertain significance for Inborn genetic diseases. Last evaluated: 2025-08-01. Review status: criteria provided, single submitter. Criteria: Ambry Variant Classification Scheme 2023. Collection method: clinical testing. Allele origin: germline.

NM_000392.5(ABCC2):c.3455A>C (p.Asp1152Ala)

Gene: ABCC2 (ATP binding cassette subfamily C member 2; plus strand). Cytogenetic location: 10q24.2.
Variant type: single nucleotide variant.
Coding change: c.3455A>C on transcript NM_000392.5 (MANE Select); coding-DNA position 3455, A replaced by C.
Protein change: p.Asp1152Ala; replaces aspartic acid 1152 with alanine.
Molecular consequence: missense variant.
Genome position (GRCh38, 1-based): chr10:99,836,131, A>C. VCF-style: chr10-99836131-A-C. GRCh37 (hg19) VCF-style: chr10-101595888-A-C.
Other names: c.3455A>C (NM_000392.4); short protein forms D1152A.
Identifiers: ClinVar variation 4122636 (VCV004122636.2).
Genomic context (GRCh38, chr10:99,836,131, plus strand): 5'-TCTTTACTTTTTGTGTCCAGATGTTTTATGTGTCTACCTCCCGCCAGCTGAGGCGTCTGG[A>C]CTCTGTCACCAGGTCCCCAATCTACTCTCACTTCAGCGAGACCGTATCAGGTTTGCCAGT-3'
Protein context (NP_000383.2, residues 1142-1162): VSTSRQLRRL[Asp1152Ala]SVTRSPIYSH